The following is an entry in ClinVar:

Single allele

Gene: ENG (endoglin; minus strand). Cytogenetic location: 9q34.11.
Variant type: Deletion.
Identifiers: ClinVar variation 1120158 (VCV001120158.5).

ClinVar aggregate classification (germline): Pathogenic (1 of 4 stars; one submission).

Conditions:
Telangiectasia, hereditary hemorrhagic, type 1 (HHT1). Also called: Osler Weber Rendu syndrome type 1; ENG-Related Hereditary Hemorrhagic Telangiectasia. Identifiers: Orphanet 774, MedGen C4551861, MONDO:0008535, OMIM 187300. Disease mechanism: loss of function.

Submission:

Mayo Clinic Laboratories, Mayo Clinic
Classification: Pathogenic for Telangiectasia, hereditary hemorrhagic, type 1. Last evaluated: 2020-05-15. Review status: criteria provided, single submitter. Criteria: ACMG Guidelines, 2015. Collection method: clinical testing. Allele origin: germline. Affected: yes. Observed: 1 variant allele.
Comment: An in-frame deletion of exons 9-11 of the ENG gene. PVS1_Strong, PS4_moderate, PP5, PP4

Literature cited by the submitters: PubMed 20414677; PubMed 9245986; PubMed 12673790; PubMed 16705692; PubMed 16752392.